The following is an entry in ClinVar:

NM_020806.5(GPHN):c.2140dup (p.His714fs)

Gene: GPHN (gephyrin; plus strand). Cytogenetic location: 14q23.3.
Variant type: Duplication.
Coding change: c.2140dup on transcript NM_020806.5 (MANE Select); coding-DNA position 2140, one base duplicated (C; older notation c.2140dupC).
Protein change: p.His714fs; shifts the reading frame from histidine 714.
Molecular consequence: frameshift variant.
Genome position (GRCh38, 1-based): chr14:67,179,638, C duplicated. VCF-style (leftmost placement, unchanged base first): chr14-67179637-G-GC. GRCh37 (hg19) VCF-style: chr14-67646354-G-GC.
Other names: c.2041dup, p.His681fs (NM_001024218.2); c.2200dup, p.His734fs (NM_001377514.1); c.2170dup, p.His724fs (NM_001377515.1); c.2161dup, p.His721fs (NM_001377516.1); c.2113dup, p.His705fs (NM_001377517.1); c.2098dup, p.His700fs (NM_001377518.1); c.2080dup, p.His694fs (NM_001377519.1); short protein forms H705fs, H724fs, H681fs, H700fs, H734fs, H694fs, H714fs, H721fs.
Identifiers: ClinVar variation 3649435 (VCV003649435.2).

ClinVar aggregate classification (germline): Uncertain significance (1 of 4 stars; one submission).

Conditions:
Sulfite oxidase deficiency due to molybdenum cofactor deficiency type C. Also called: Molybdenum cofactor deficiency C; Molybdenum cofactor deficiency, complementation group C. Identifiers: Orphanet 308400, Orphanet 833, MedGen C1854990, MONDO:0014212, OMIM 615501.

Submission:

Labcorp Genetics (formerly Invitae), Labcorp
Classification: Uncertain significance for Sulfite oxidase deficiency due to molybdenum cofactor deficiency type C. Last evaluated: 2024-04-10. Review status: criteria provided, single submitter. Criteria: Invitae Variant Classification Sherloc (09022015). Collection method: clinical testing. Allele origin: germline.
Comment: This sequence change creates a premature translational stop signal (p.His714Profs*14) in the GPHN gene. While this is not anticipated to result in nonsense mediated decay, it is expected to disrupt the last 56 amino acid(s) of the GPHN protein. This variant is not present in population databases (gnomAD no frequency). This variant has not been reported in the literature in individuals affected with GPHN-related conditions. Experimental studies and prediction algorithms are not available or were not evaluated, and the functional significance of this variant is currently unknown. In summary, the available evidence is currently insufficient to determine the role of this variant in disease. Therefore, it has been classified as a Variant of Uncertain Significance.